The following is an entry in ClinVar:

ClinVar aggregate classification (germline): Uncertain significance (1 of 4 stars; one submission).

Conditions:
Adams-Oliver syndrome 5 (AOS5). Identifiers: Orphanet 974, MedGen C4014970, MONDO:0014459, OMIM 616028.

Submission:

Labcorp Genetics (formerly Invitae), Labcorp
Classification: Uncertain significance for Adams-Oliver syndrome 5. Last evaluated: 2023-03-08. Review status: criteria provided, single submitter. Criteria: Invitae Variant Classification Sherloc (09022015). Collection method: clinical testing. Allele origin: germline.
Comment: In summary, the available evidence is currently insufficient to determine the role of this variant in disease. Therefore, it has been classified as a Variant of Uncertain Significance. This sequence change replaces proline, which is neutral and non-polar, with histidine, which is basic and polar, at codon 1618 of the NOTCH1 protein (p.Pro1618His). This variant is not present in population databases (gnomAD no frequency). This variant has not been reported in the literature in individuals affected with NOTCH1-related conditions. Advanced modeling of protein sequence and biophysical properties (such as structural, functional, and spatial information, amino acid conservation, physicochemical variation, residue mobility, and thermodynamic stability) performed at Invitae indicates that this missense variant is expected to disrupt NOTCH1 protein function.

NM_017617.5(NOTCH1):c.4853C>A (p.Pro1618His)

Gene: NOTCH1 (notch receptor 1; minus strand). Cytogenetic location: 9q34.3.
Variant type: single nucleotide variant.
Coding change: c.4853C>A on transcript NM_017617.5 (MANE Select); coding-DNA position 4853, C replaced by A.
Protein change: p.Pro1618His; replaces proline 1618 with histidine.
Molecular consequence: missense variant.
Genome position (GRCh38, 1-based): chr9:136,504,838, G>T on the plus strand (C>A on the coding strand, the complement: NOTCH1 is on the minus strand). VCF-style: chr9-136504838-G-T. GRCh37 (hg19) VCF-style: chr9-139399290-G-T.
Other names: short protein forms P1618H.
Identifiers: ClinVar variation 2964980 (VCV002964980.3), dbSNP rs1335854366, ClinGen allele CA375644670.
Genomic context (GRCh38, chr9:136,504,838, plus strand): 5'-CAGCCCTCGGCGGCACGCTTGATGGGGTGCTTGCGCAGCTCCTCCTCGCGGCCGTAGTAG[G>T]GGAAGATCATCTGCTGGCCGTGTGCGTCACGCTTGAAGACCACGTTGGTGTGCAGCACGC-3'
Protein context (NP_060087.3, residues 1608-1628): RDAHGQQMIF[Pro1618His]YYGREEELRK